The following is an entry in ClinVar:

ClinVar aggregate classification (germline): Uncertain significance (1 of 4 stars; one submission).

Allele frequency attached by ClinVar (database versions not stated): gnomAD exomes below 0.00001; TOPMed below 0.00001; gnomAD 0.00001.
gnomAD v4.1: 2 of 1,613,988 alleles (0.00012%); highest among the groups gnomAD compares: African/African-American, 0.0013%; no homozygotes.

Submission:

Labcorp Genetics (formerly Invitae), Labcorp
Classification: Uncertain significance. Last evaluated: 2022-11-15. Review status: criteria provided, single submitter. Criteria: Invitae Variant Classification Sherloc (09022015). Collection method: clinical testing. Allele origin: germline.
Comment: In summary, the available evidence is currently insufficient to determine the role of this variant in disease. Therefore, it has been classified as a Variant of Uncertain Significance. Advanced modeling of protein sequence and biophysical properties (such as structural, functional, and spatial information, amino acid conservation, physicochemical variation, residue mobility, and thermodynamic stability) performed at Invitae indicates that this missense variant is not expected to disrupt KCNJ6 protein function. This variant has not been reported in the literature in individuals affected with KCNJ6-related conditions. This variant is not present in population databases (gnomAD no frequency). This sequence change replaces arginine, which is basic and polar, with histidine, which is basic and polar, at codon 270 of the KCNJ6 protein (p.Arg270His).

NM_002240.5(KCNJ6):c.809G>A (p.Arg270His)

Genes: KCNJ6 (potassium inwardly rectifying channel subfamily J member 6; minus strand), KCNJ6-AS1 (KCNJ6 antisense RNA 1; plus strand). Cytogenetic location: 21q22.13.
Variant type: single nucleotide variant.
Coding change: c.809G>A on transcript NM_002240.5 (MANE Select); coding-DNA position 809, G replaced by A.
Protein change: p.Arg270His; replaces arginine 270 with histidine.
Molecular consequence: missense variant. On other transcripts: non-coding transcript variant (1).
Genome position (GRCh38, 1-based): chr21:37,714,348, C>T on the plus strand (G>A on the coding strand, the complement: KCNJ6 is on the minus strand). VCF-style: chr21-37714348-C-T. GRCh37 (hg19) VCF-style: chr21-39086651-C-T.
Other names: short protein forms R270H.
Identifiers: ClinVar variation 2960701 (VCV002960701.3), dbSNP rs2054778867, ClinGen allele CA409967969.